The following is an entry in ClinVar:

NM_198253.3(TERT):c.347C>T (p.Thr116Ile)

Gene: TERT (telomerase reverse transcriptase; minus strand). Cytogenetic location: 5p15.33.
Variant type: single nucleotide variant.
Coding change: c.347C>T on transcript NM_198253.3 (MANE Select); coding-DNA position 347, C replaced by T.
Protein change: p.Thr116Ile; replaces threonine 116 with isoleucine.
Molecular consequence: missense variant. On other transcripts: non-coding transcript variant (2).
Genome position (GRCh38, 1-based): chr5:1,294,539, G>A on the plus strand (C>T on the coding strand, the complement: TERT is on the minus strand). VCF-style: chr5-1294539-G-A. GRCh37 (hg19) VCF-style: chr5-1294654-G-A.
Other names: c.347C>T, p.Thr116Ile (NM_001193376.3); short protein forms T116I.
Identifiers: ClinVar variation 916632 (VCV000916632.6), dbSNP rs1751259223, ClinGen allele CA359058219.

ClinVar aggregate classification (germline): Likely pathogenic. Review status: criteria provided, multiple submitters, no conflicts (2 of 4 stars). 2 submissions from 2 submitters: Likely pathogenic (2). Last evaluated 2020-05-17.

Conditions:
Abnormal pulmonary interstitial morphology. Also called: Interstitial lung disease; Interstitial pulmonary abnormality. Identifiers: Orphanet 182095, MedGen C5441745, MeSH D017563, MONDO:0015925, HP:0006530.
Short telomere length. Identifiers: MedGen C4531138, HP:0031413.

Allele frequency attached by ClinVar (database versions not stated): gnomAD exomes below 0.00001.
gnomAD v4.1: 1 of 1,578,964 alleles (0.000063%); highest among the groups gnomAD compares: South Asian, 0.0011%; no homozygotes.

Submissions (2):

Godley laboratory, The University of Chicago
Classification: Likely pathogenic for Short telomere length; Abnormal pulmonary interstitial morphology. Last evaluated: 2020-05-17. Review status: criteria provided, single submitter. Criteria: ACMG Guidelines, 2015. Collection method: clinical testing. Allele origin: germline. Inheritance: Autosomal dominant inheritance. Affected: yes. Observed: 1 heterozygote.
Comment: The telomere length in lymphocytes was below the first percentile. The following ACMG/AMP criteria were used: PS4_supporting, PM1, PM2, PP1_moderate, PP2.

Genetic Services Laboratory, University of Chicago
Classification: Likely pathogenic. Last evaluated: 2018-05-25. Review status: criteria provided, single submitter. Criteria: ACMG Guidelines, 2015. Collection method: clinical testing. Allele origin: germline. Affected: yes.